The following is an entry in ClinVar:

NM_139279.6(MCFD2):c.*2454C>A

Genes: MCFD2 (multiple coagulation factor deficiency 2, ER cargo receptor complex subunit; minus strand), MCFD2-AS1 (MCFD2 antisense RNA 1; plus strand). Cytogenetic location: 2p21.
Variant type: single nucleotide variant.
Coding change: c.*2454C>A on transcript NM_139279.6 (MANE Select); 2454 bases downstream of the stop codon, C replaced by A.
Molecular consequence: 3 prime UTR variant.
Genome position (GRCh38, 1-based): chr2:46,903,009, G>T on the plus strand (C>A on the coding strand, the complement: MCFD2 is on the minus strand). VCF-style: chr2-46903009-G-T. GRCh37 (hg19) VCF-style: chr2-47130148-G-T.
Other names: c.*2454C>A (NM_001171506.2, NM_001171507.2, NM_001171508.2 and 3 more transcripts).
Identifiers: ClinVar variation 336338 (VCV000336338.6), dbSNP rs1051317, ClinGen allele CA10615384.

ClinVar aggregate classification (germline): Benign. Review status: criteria provided, multiple submitters, no conflicts (2 of 4 stars). 2 submissions from 2 submitters: Benign (2). Last evaluated 2018-01-13.

Conditions:
Factor 5 and Factor VIII, combined deficiency of, 2. Identifiers: Orphanet 35909, MedGen C3150889, MONDO:0013331, OMIM 613625.

Allele frequency attached by ClinVar (database versions not stated): 1000 Genomes Project 0.18011; TOPMed 0.19242; gnomAD 0.20979 and 0.21047; gnomAD exomes 0.33333; 1000 Genomes Project 30x 0.18082.
gnomAD v4.1: 32,188 of 152,124 alleles (21%); highest among the groups gnomAD compares: Non-Finnish European, 27%; 3,931 homozygotes.

Submissions (2):

Illumina Laboratory Services, Illumina
Classification: Benign for Factor 5 and Factor VIII, combined deficiency of, 2. Last evaluated: 2018-01-13. Review status: criteria provided, single submitter. Criteria: ICSL Variant Classification Criteria 13 December 2019. Collection method: clinical testing. Allele origin: germline.
Comment: This variant was observed in the ICSL laboratory as part of a predisposition screen in an ostensibly healthy population. It had not been previously curated by ICSL or reported in the Human Gene Mutation Database (HGMD: prior to June 1st, 2018), and was therefore a candidate for classification through an automated scoring system. Utilizing variant allele frequency, disease prevalence and penetrance estimates, and inheritance mode, an automated score was calculated to assess if this variant is too frequent to cause the disease. Based on the score and internal cut-off values, a variant classified as benign is not then subjected to further curation. The score for this variant resulted in a classification of benign for this disease.

Breakthrough Genomics
Classification: Benign. Review status: criteria provided, single submitter. Criteria: ACMG Guidelines, 2015. Collection method: not provided. Allele origin: germline. Inheritance: Unknown mechanism. Affected: yes.